The following is an entry in ClinVar:

NM_001167623.2(CACNA1C):c.1165G>A (p.Val389Ile)

Gene: CACNA1C (calcium voltage-gated channel subunit alpha1 C; plus strand). Cytogenetic location: 12p13.33.
Variant type: single nucleotide variant.
Coding change: c.1165G>A on transcript NM_001167623.2 (MANE Plus Clinical); coding-DNA position 1165, G replaced by A.
Protein change: p.Val389Ile; replaces valine 389 with isoleucine.
Molecular consequence: missense variant. On other transcripts: intron variant (19).
Genome position (GRCh38, 1-based): chr12:2,504,487, G>A. VCF-style: chr12-2504487-G-A. GRCh37 (hg19) VCF-style: chr12-2613653-G-A.
Other names: c.1165G>A, p.Val389Ile (NM_001129840.2, NM_001167624.3, NM_001167625.2); c.1114-355G>A (NM_199460.4, NM_001129827.2, NM_001129832.2 and 15 more transcripts); c.1105-355G>A (NM_001129844.2); short protein forms V389I.
Identifiers: ClinVar variation 191420 (VCV000191420.1), dbSNP rs202180580, ClinGen allele CA236593.

ClinVar aggregate classification (germline): Uncertain significance (1 of 4 stars; one submission).

Submission:

Biesecker Lab/Clinical Genomics Section, National Institutes of Health
Classification: Uncertain significance. Last evaluated: 2013-06-24. Review status: criteria provided, single submitter. Criteria: Ng et al. (Circ Cardiovasc Genet. 2013). Collection method: research. Allele origin: unknown. Observed: 1 variant allele. Study: ClinSeq.
Comment: The study set was not selected for affection status in relation to any cancer. Pathogenicity categories were based on literature curation. See Pubmed ID:23861362 for details.

Medical sequencing